The following is an entry in ClinVar:

NM_182961.4(SYNE1):c.10866T>C (p.Ser3622=)

Gene: SYNE1 (spectrin repeat containing nuclear envelope protein 1; minus strand). Cytogenetic location: 6q25.2.
Variant type: single nucleotide variant.
Coding change: c.10866T>C on transcript NM_182961.4 (MANE Select); coding-DNA position 10866, T replaced by C.
Protein change: p.Ser3622=; no amino-acid change (serine 3622 retained).
Molecular consequence: synonymous variant. On other transcripts: intron variant (1).
Genome position (GRCh38, 1-based): chr6:152,354,719, A>G on the plus strand (T>C on the coding strand, the complement: SYNE1 is on the minus strand). VCF-style: chr6-152354719-A-G. GRCh37 (hg19) VCF-style: chr6-152675854-A-G.
Other names: p.?; c.10881+6T>C (NM_033071.5).
Identifiers: ClinVar variation 130393 (VCV000130393.28), dbSNP rs9397102, ClinGen allele CA155329.

ClinVar aggregate classification (germline): Benign. Review status: criteria provided, multiple submitters, no conflicts (2 of 4 stars). 15 submissions from 12 submitters: Benign (11). 4 of the submissions do not count toward it. Last evaluated 2026-02-03.

Conditions:
Emery-Dreifuss muscular dystrophy 4, autosomal dominant (EDMD4). Also called: EMERY-DREIFUSS MUSCULAR DYSTROPHY 4 WITH VARIABLE FEATURES. Identifiers: Orphanet 261, MedGen C2751807, MONDO:0013071, OMIM 612998.
Autosomal recessive ataxia, Beauce type. Also called: SYNE1 Deficiency; Spinocerebellar ataxia, autosomal recessive 8; ATAXIA, RECESSIVE, OF BEAUCE; SYNE1-Related Autosomal Recessive Cerebellar Ataxia. Identifiers: Orphanet 88644, MedGen C1853116, MONDO:0012549, OMIM 610743.
Arthrogryposis multiplex congenita 3, myogenic type. Also called: ARTHROGRYPOSIS MULTIPLEX CONGENITA, MYOGENIC TYPE. Identifiers: MedGen C5193121, MONDO:0032778, OMIM 618484.

Allele frequency attached by ClinVar (database versions not stated): 1000 Genomes Project 0.56829; 1000 Genomes Project 30x 0.57136; gnomAD 0.57769 and 0.57784; ExAC 0.57994; ESP Exome Variant Server 0.58119; TOPMed 0.58236; gnomAD exomes 0.58570 and 0.60349.
gnomAD v4.1: 969,658 of 1,613,882 alleles (60%); highest among the groups gnomAD compares: East Asian, 64%; 292,524 homozygotes.

Submissions (15):

Labcorp Genetics (formerly Invitae), Labcorp
Classification: Benign for Emery-Dreifuss muscular dystrophy 4, autosomal dominant; Autosomal recessive ataxia, Beauce type. Last evaluated: 2026-02-03. Review status: criteria provided, single submitter. Criteria: Invitae Variant Classification Sherloc (09022015). Collection method: clinical testing. Allele origin: germline.

Blueprint Genetics
Classification: Benign. Last evaluated: 2024-11-27. Review status: criteria provided, single submitter. Criteria: ACMG Guidelines, 2015. Collection method: clinical testing. Allele origin: germline.

Genome-Nilou Lab
Classification: Benign for Arthrogryposis multiplex congenita 3, myogenic type. Last evaluated: 2021-07-15. Review status: criteria provided, single submitter. Criteria: ACMG Guidelines, 2015. Collection method: clinical testing. Allele origin: germline. Affected: no.

Genome-Nilou Lab
Classification: Benign for Emery-Dreifuss muscular dystrophy 4, autosomal dominant. Last evaluated: 2021-07-15. Review status: criteria provided, single submitter. Criteria: ACMG Guidelines, 2015. Collection method: clinical testing. Allele origin: germline. Affected: no.

Genome-Nilou Lab
Classification: Benign for Autosomal recessive ataxia, Beauce type. Last evaluated: 2021-07-15. Review status: criteria provided, single submitter. Criteria: ACMG Guidelines, 2015. Collection method: clinical testing. Allele origin: germline. Affected: no.

Athena Diagnostics
Classification: Benign. Last evaluated: 2018-11-02. Review status: criteria provided, single submitter. Criteria: Athena Diagnostics Criteria. Collection method: clinical testing. Allele origin: germline.

Illumina Laboratory Services, Illumina
Classification: Benign for Autosomal recessive ataxia, Beauce type. Last evaluated: 2018-01-12. Review status: criteria provided, single submitter. Criteria: ICSL Variant Classification Criteria 13 December 2019. Collection method: clinical testing. Allele origin: germline.
Comment: This variant was observed in the ICSL laboratory as part of a predisposition screen in an ostensibly healthy population. It had not been previously curated by ICSL or reported in the Human Gene Mutation Database (HGMD: prior to June 1st, 2018), and was therefore a candidate for classification through an automated scoring system. Utilizing variant allele frequency, disease prevalence and penetrance estimates, and inheritance mode, an automated score was calculated to assess if this variant is too frequent to cause the disease. Based on the score and internal cut-off values, a variant classified as benign is not then subjected to further curation. The score for this variant resulted in a classification of benign for this disease.

Illumina Laboratory Services, Illumina
Classification: Benign for Emery-Dreifuss muscular dystrophy 4, autosomal dominant. Last evaluated: 2018-01-12. Review status: criteria provided, single submitter. Criteria: ICSL Variant Classification Criteria 13 December 2019. Collection method: clinical testing. Allele origin: germline.
Comment: the same text as in the submission from Illumina Laboratory Services, Illumina above.

Mayo Clinic Laboratories, Mayo Clinic
Classification: Benign. Last evaluated: 2017-12-04. Review status: criteria provided, single submitter. Criteria: ACMG Guidelines, 2015. Collection method: clinical testing. Allele origin: germline. Observed: 962 variant alleles.

GeneDx
Classification: Benign. Last evaluated: 2016-01-25. Review status: criteria provided, single submitter. Criteria: GeneDx Variant Classification (06012015). Collection method: clinical testing. Allele origin: germline. Affected: yes.
Comment: This variant is considered likely benign or benign based on one or more of the following criteria: it is a conservative change, it occurs at a poorly conserved position in the protein, it is predicted to be benign by multiple in silico algorithms, and/or has population frequency not consistent with disease.

PreventionGenetics, part of Exact Sciences
Classification: Benign. Review status: criteria provided, single submitter. Criteria: ACMG Guidelines, 2015. Collection method: clinical testing. Allele origin: germline.

Clinical Genetics DNA and cytogenetics Diagnostics Lab, Erasmus MC, Erasmus Medical Center
Classification: Benign. Review status: no assertion criteria provided. Collection method: clinical testing. Allele origin: germline. Affected: yes. Study: VKGL Data-share Consensus. Not counted in ClinVar's aggregate classification.

Clinical Genetics, Academic Medical Center
Classification: Benign. Review status: no assertion criteria provided. Collection method: clinical testing. Allele origin: germline. Affected: yes. Study: VKGL Data-share Consensus. Not counted in ClinVar's aggregate classification.

Genetic Services Laboratory, University of Chicago
Classification: Likely benign for AllHighlyPenetrant. Review status: no assertion criteria provided. Collection method: clinical testing. Allele origin: germline. Inheritance: Autosomal dominant inheritance. Not counted in ClinVar's aggregate classification.
Comment: Likely benign based on allele frequency in 1000 Genomes Project or ESP global frequency and its presence in a patient with a rare or unrelated disease phenotype. NOT Sanger confirmed.

Joint Genome Diagnostic Labs from Nijmegen and Maastricht, Radboudumc and MUMC+
Classification: Benign. Review status: no assertion criteria provided. Collection method: clinical testing. Allele origin: germline. Affected: yes. Study: VKGL Data-share Consensus. Not counted in ClinVar's aggregate classification.